The following is an entry in ClinVar:

NM_001365999.1(SZT2):c.3433+1G>A

Gene: SZT2 (SZT2 subunit of KICSTOR complex; plus strand). Cytogenetic location: 1p34.2.
Variant type: single nucleotide variant.
Coding change: c.3433+1G>A on transcript NM_001365999.1 (MANE Select); the canonical splice donor site of the intron after coding-DNA position 3433, G replaced by A.
Molecular consequence: splice donor variant.
Genome position (GRCh38, 1-based): chr1:43,427,180, G>A. VCF-style: chr1-43427180-G-A. GRCh37 (hg19) VCF-style: chr1-43892851-G-A.
Other names: c.3262+1G>A (NM_015284.4).
Identifiers: ClinVar variation 2030335 (VCV002030335.4), dbSNP rs1264793293, ClinGen allele CA340017714.
Genomic context (GRCh38, chr1:43,427,180, plus strand): 5'-ATGCAAGGCTTGTGAACCCCCAGCATGTGTTTCTGACTTTTCTCCCAGCTACCTTCTCAG[G>A]TGCCAGCTGCTGACCTCCTCACGAACCCCCTCAGATACAAACCCCTGAGCTCCCTCACTG-3'

ClinVar aggregate classification (germline): Likely pathogenic (1 of 4 stars; one submission).

Allele frequency attached by ClinVar (database versions not stated): TOPMed below 0.00001; gnomAD 0.00001.
gnomAD v4.1: 1 of 1,614,014 alleles (0.000062%); highest among the groups gnomAD compares: Non-Finnish European, 0.000085%; no homozygotes.

Submission:

Labcorp Genetics (formerly Invitae), Labcorp
Classification: Likely pathogenic. Last evaluated: 2022-09-14. Review status: criteria provided, single submitter. Criteria: Invitae Variant Classification Sherloc (09022015). Collection method: clinical testing. Allele origin: germline.
Comment: This sequence change affects a donor splice site in intron 23 of the SZT2 gene. It is expected to disrupt RNA splicing. Variants that disrupt the donor or acceptor splice site typically lead to a loss of protein function (PMID: 16199547), and loss-of-function variants in SZT2 are known to be pathogenic (PMID: 23932106, 27248490, 28556953). This variant is not present in population databases (gnomAD no frequency). This variant has not been reported in the literature in individuals affected with SZT2-related conditions. Algorithms developed to predict the effect of sequence changes on RNA splicing suggest that this variant may disrupt the consensus splice site. In summary, the currently available evidence indicates that the variant is pathogenic, but additional data are needed to prove that conclusively. Therefore, this variant has been classified as Likely Pathogenic.

Literature cited by the submitters: PubMed 16199547; PubMed 23932106; PubMed 27248490; PubMed 28556953.